The following is an entry in ClinVar:

ClinVar aggregate classification (germline): Uncertain significance (1 of 4 stars; one submission).

gnomAD v4.1: 3 of 1,613,918 alleles (0.00019%); highest among the groups gnomAD compares: Non-Finnish European, 0.00025%; no homozygotes.

Submission:

Ambry Genetics
Classification: Uncertain significance. Last evaluated: 2024-12-22. Review status: criteria provided, single submitter. Criteria: Ambry Variant Classification Scheme 2023. Collection method: clinical testing. Allele origin: germline.
Comment: The p.L421P variant (also known as c.1262T>C), located in coding exon 6 of the GFI1 gene, results from a T to C substitution at nucleotide position 1262. The leucine at codon 421 is replaced by proline, an amino acid with similar properties. This amino acid position is conserved. In addition, this alteration is predicted to be tolerated by in silico analysis. Based on the available evidence, the clinical significance of this variant remains unclear.

NM_005263.5(GFI1):c.1262T>C (p.Leu421Pro)

Gene: GFI1 (growth factor independent 1 transcriptional repressor; minus strand). Cytogenetic location: 1p22.1.
Variant type: single nucleotide variant.
Coding change: c.1262T>C on transcript NM_005263.5 (MANE Select); coding-DNA position 1262, T replaced by C.
Protein change: p.Leu421Pro; replaces leucine 421 with proline.
Molecular consequence: missense variant.
Genome position (GRCh38, 1-based): chr1:92,476,036, A>G on the plus strand (T>C on the coding strand, the complement: GFI1 is on the minus strand). VCF-style: chr1-92476036-A-G. GRCh37 (hg19) VCF-style: chr1-92941593-A-G.
Other names: c.1262T>C, p.Leu421Pro (NM_001127215.3, NM_001127216.3); short protein forms L421P.
Identifiers: ClinVar variation 3853668 (VCV003853668.1).